The following is an entry in ClinVar:

NM_001010909.5(MUC21):c.384C>G (p.Pro128=)

Gene: MUC21 (mucin 21, cell surface associated; plus strand). Cytogenetic location: 6p21.33.
Variant type: single nucleotide variant.
Coding change: c.384C>G on transcript NM_001010909.5 (MANE Select); coding-DNA position 384, C replaced by G.
Protein change: p.Pro128=; no amino-acid change (proline 128 retained).
Molecular consequence: synonymous variant. On other transcripts: non-coding transcript variant (1).
Genome position (GRCh38, 1-based): chr6:30,986,559, C>G. VCF-style: chr6-30986559-C-G. GRCh37 (hg19) VCF-style: chr6-30954336-C-G.
Identifiers: ClinVar variation 3898088 (VCV003898088.7).

ClinVar aggregate classification (germline): Likely benign (1 of 4 stars; one submission).

Submission:

CeGaT Center for Human Genetics Tuebingen
Classification: Likely benign. Last evaluated: 2025-04-01. Review status: criteria provided, single submitter. Criteria: CeGaT Center For Human Genetics Tuebingen Variant Classification Criteria Version 2. Collection method: clinical testing. Allele origin: germline. Affected: yes. Observed: 1 variant allele.
Comment: MUC21: BP4, BP7